The following is an entry in ClinVar:

ClinVar aggregate classification (germline): Pathogenic (1 of 4 stars; one submission).

Conditions:
Bethlem myopathy 1A. Also called: Bethlem myopathy 1; Bethlem Muscular Dystrophy; MYOPATHY, BENIGN CONGENITAL, WITH CONTRACTURES. Identifiers: Orphanet 610, MedGen CN029274, MONDO:0024530, OMIM 158810.

Submission:

Labcorp Genetics (formerly Invitae), Labcorp
Classification: Pathogenic for Bethlem myopathy 1A. Last evaluated: 2021-06-24. Review status: criteria provided, single submitter. Criteria: Invitae Variant Classification Sherloc (09022015). Collection method: clinical testing. Allele origin: germline.
Comment: This variant is not present in population databases (ExAC no frequency). This variant has not been reported in the literature in individuals affected with COL6A2-related conditions. This variant disrupts a region of the COL6A2 protein in which other variant(s) (p.Tyr1002*) have been determined to be pathogenic (PMID: 29419890). This suggests that this is a clinically significant region of the protein, and that variants that disrupt it are likely to be disease-causing. For these reasons, this variant has been classified as Pathogenic. This sequence change creates a premature translational stop signal (p.Glu999*) in the COL6A2 gene. While this is not anticipated to result in nonsense mediated decay, it is expected to disrupt the last 21 amino acid(s) of the COL6A2 protein.

Literature cited by the submitters: PubMed 29419890.

NM_001849.4(COL6A2):c.2995G>T (p.Glu999Ter)

Gene: COL6A2 (collagen type VI alpha 2 chain; plus strand). Cytogenetic location: 21q22.3.
Variant type: single nucleotide variant.
Coding change: c.2995G>T on transcript NM_001849.4 (MANE Select); coding-DNA position 2995, G replaced by T.
Protein change: p.Glu999Ter; replaces glutamic acid 999 with a stop codon.
Molecular consequence: nonsense.
Genome position (GRCh38, 1-based): chr21:46,132,487, G>T. VCF-style: chr21-46132487-G-T. GRCh37 (hg19) VCF-style: chr21-47552401-G-T.
Other names: short protein forms E999*.
Identifiers: ClinVar variation 1458208 (VCV001458208.6), dbSNP rs142296092, ClinGen allele CA410550502.
Genomic context (GRCh38, chr21:46,132,487, plus strand): 5'-GACGTGGACATGGACGTGCTCACCACGCTCAGCCTGGGTGACCGCGCCGCCGTGTTCCAC[G>T]AGAAGGACTATGACAGCCTGGCGCAACCCGGCTTCTTCGACCGCTTCATCCGCTGGATCT-3'